The following is an entry in ClinVar:

NM_001374385.1(ATP8B1):c.2699T>C (p.Met900Thr)

Genes: ATP8B1 (ATPase phospholipid transporting 8B1; minus strand), ATP8B1-AS1 (ATP8B1 antisense RNA 1; plus strand). Cytogenetic location: 18q21.31.
Variant type: single nucleotide variant.
Coding change: c.2699T>C on transcript NM_001374385.1 (MANE Select); coding-DNA position 2699, T replaced by C.
Protein change: p.Met900Thr; replaces methionine 900 with threonine.
Molecular consequence: missense variant.
Genome position (GRCh38, 1-based): chr18:57,661,182, A>G on the plus strand (T>C on the coding strand, the complement: ATP8B1 is on the minus strand). VCF-style: chr18-57661182-A-G. GRCh37 (hg19) VCF-style: chr18-55328414-A-G.
Other names: c.2699T>C (NM_005603.4); c.2549T>C, p.Met850Thr (NM_001374386.1); c.2699T>C, p.Met900Thr (NM_005603.6); short protein forms M900T, M850T.
Identifiers: ClinVar variation 2077839 (VCV002077839.3), dbSNP rs1910370278, ClinGen allele CA402550121.

ClinVar aggregate classification (germline): Uncertain significance. Review status: criteria provided, multiple submitters, no conflicts (2 of 4 stars). 3 submissions from 3 submitters: Uncertain significance (3). Last evaluated 2026-04-14.

Conditions:
ATP8B1-related disorder. Also called: ATP8B1-related disorders; ATP8B1-related condition.
Familial intrahepatic cholestasis. Identifiers: Orphanet 284385, MedGen CN296401, MONDO:0017290.

Allele frequency attached by ClinVar (database versions not stated): gnomAD exomes below 0.00001; TOPMed below 0.00001; gnomAD 0.00001.
gnomAD v4.1: 2 of 1,613,602 alleles (0.00012%); highest among the groups gnomAD compares: Non-Finnish European, 0.00017%; no homozygotes.

Submissions (3):

Genomenon, Inc
Classification: Uncertain significance for Familial intrahepatic cholestasis. Last evaluated: 2026-04-14. Review status: criteria provided, single submitter. Criteria: Genomenon Sequence Variant Interpretation Standards - Updated. Collection method: curation. Allele origin: germline. Affected: yes.
Comment: ATP8B1 p.Met900Thr (c.2699T>C) is a missense variant that changes the amino acid at residue 900 from Methionine to Threonine. This variant has been observed in at least one proband with features of ATP8B1-deficiency (PMID:33666275;34016879). It is absent or not present at a significant frequency in gnomAD. In silico models predict that this variant is possibly or probably damaging. In conclusion, we classify ATP8B1 p.Met900Thr (c.2699T>C) as a variant of uncertain significance.

PreventionGenetics, part of Exact Sciences
Classification: Uncertain significance for ATP8B1-related condition. Last evaluated: 2024-11-10. Review status: criteria provided, single submitter. Criteria: ACMG Guidelines, 2015. Collection method: clinical testing. Allele origin: germline.
Comment: The ATP8B1 c.2699T>C variant is predicted to result in the amino acid substitution p.Met900Thr. This variant has been reported, along with a second ATP8B1 variant (phase unknown), in an individuals with familial intrahepatic cholestasis (Supporting Table S1, FIC1-A, van Wessel et al. 2021. PubMed ID: 33666275; SDC Table 2, Patient Numbers 25 and 26, Hertel et al. 2021. PubMed ID: 34016879). This variant has not been reported in a large population database (gnomAD), indicating this variant is rare. Although we suspect that this variant may be pathogenic, at this time, the clinical significance of this variant is uncertain due to the absence of conclusive functional and genetic evidence.

Labcorp Genetics (formerly Invitae), Labcorp
Classification: Uncertain significance. Last evaluated: 2022-08-20. Review status: criteria provided, single submitter. Criteria: Invitae Variant Classification Sherloc (09022015). Collection method: clinical testing. Allele origin: germline.
Comment: This sequence change replaces methionine, which is neutral and non-polar, with threonine, which is neutral and polar, at codon 900 of the ATP8B1 protein (p.Met900Thr). This variant is not present in population databases (gnomAD no frequency). This missense change has been observed in individual(s) with progressive familial intrahepatic cholestasis (PMID: 33666275). Algorithms developed to predict the effect of missense changes on protein structure and function (SIFT, PolyPhen-2, Align-GVGD) all suggest that this variant is likely to be disruptive. In summary, the available evidence is currently insufficient to determine the role of this variant in disease. Therefore, it has been classified as a Variant of Uncertain Significance.

Literature cited by the submitters: PubMed 33666275 (cited by Genomenon, Inc and Labcorp Genetics (formerly Invitae), Labcorp); PubMed 34016879 (cited by Genomenon, Inc).